The following is an entry in ClinVar:

NM_001953.5(TYMP):c.1189C>T (p.Leu397=)

Genes: SCO2 (synthesis of cytochrome C oxidase 2; minus strand), TYMP (thymidine phosphorylase; minus strand), LOC130067862 (ATAC-STARR-seq lymphoblastoid silent region 13986; plus strand). Cytogenetic location: 22q13.33.
Variant type: single nucleotide variant.
Coding change: c.1189C>T on transcript NM_001953.5 (MANE Select); coding-DNA position 1189, C replaced by T.
Protein change: p.Leu397=; no amino-acid change (leucine 397 retained).
Molecular consequence: synonymous variant. On other transcripts: 5 prime UTR variant (1), intron variant (1).
Genome position (GRCh38, 1-based): chr22:50,526,112, G>A on the plus strand (C>T on the coding strand, the complement: TYMP is on the minus strand). VCF-style: chr22-50526112-G-A. GRCh37 (hg19) VCF-style: chr22-50964541-G-A.
Other names: c.1189C>T, p.Leu397= (NM_001113755.3, NM_001113756.3, NM_001257988.1); c.1204C>T, p.Leu402= (NM_001257989.1); c.-125C>T (NM_001169110.1); c.-14+134C>T (NM_001169109.2).
Identifiers: ClinVar variation 744024 (VCV000744024.13), dbSNP rs777564992, ClinGen allele CA10321443.

ClinVar aggregate classification (germline): Benign/Likely benign. Review status: criteria provided, multiple submitters, no conflicts (2 of 4 stars). 4 submissions from 4 submitters: Benign (1); Likely benign (1). 2 of the submissions do not count toward it. Last evaluated 2026-01-26.

Conditions:
Mitochondrial neurogastrointestinal encephalomyopathy. Also called: MNGIE syndrome; Thymidine phosphorylase deficiency; Mitochondrial neurogastrointestinal encephalopathy syndrome. Identifiers: Orphanet 298, MedGen C0872218, MONDO:0017575.
TYMP-related disorder. Also called: TYMP-related condition.

Allele frequency attached by ClinVar (database versions not stated): ExAC 0.00027; gnomAD 0.00038 and 0.00041; TOPMed 0.00006; gnomAD exomes 0.00014.

Submissions (4):

Labcorp Genetics (formerly Invitae), Labcorp
Classification: Benign. Last evaluated: 2026-01-26. Review status: criteria provided, single submitter. Criteria: Invitae Variant Classification Sherloc (09022015). Collection method: clinical testing. Allele origin: germline.

Blueprint Genetics
Classification: Likely benign. Last evaluated: 2023-10-02. Review status: criteria provided, single submitter. Criteria: ACMG Guidelines, 2015. Collection method: clinical testing. Allele origin: germline.

PreventionGenetics, part of Exact Sciences
Classification: Likely benign for TYMP-related condition. Last evaluated: 2024-06-22. Review status: no assertion criteria provided. Collection method: clinical testing. Allele origin: germline. Not counted in ClinVar's aggregate classification.
Comment: This variant is classified as likely benign based on ACMG/AMP sequence variant interpretation guidelines (Richards et al. 2015 PMID: 25741868, with internal and published modifications).

Natera, Inc.
Classification: Likely benign for Mitochondrial neurogastrointestinal encephalomyopathy. Last evaluated: 2020-07-17. Review status: no assertion criteria provided. Collection method: clinical testing. Allele origin: germline. Not counted in ClinVar's aggregate classification.